The following is an entry in ClinVar:

ClinVar aggregate classification (germline): Uncertain significance. Review status: criteria provided, multiple submitters, no conflicts (2 of 4 stars). 3 submissions from 3 submitters: Uncertain significance (3). Last evaluated 2024-02-26.

Conditions:
Hereditary cancer-predisposing syndrome. Also called: Neoplastic Syndromes, Hereditary; Hereditary Cancer Syndrome; Tumor predisposition; Hereditary neoplastic syndrome. Identifiers: Orphanet 140162, MedGen C0027672, MeSH D009386, MONDO:0015356.
Tuberous sclerosis 2 (TSC2). Identifiers: Orphanet 805, MedGen C1860707, MONDO:0013199, OMIM 613254.

gnomAD v4.1: 1 of 1,612,936 alleles (0.000062%); highest among the groups gnomAD compares: Non-Finnish European, 0.000085%; no homozygotes.

Submissions (3):

Labcorp Genetics (formerly Invitae), Labcorp
Classification: Uncertain significance for Tuberous sclerosis 2. Last evaluated: 2024-02-26. Review status: criteria provided, single submitter. Criteria: Invitae Variant Classification Sherloc (09022015). Collection method: clinical testing. Allele origin: germline.
Comment: This sequence change replaces histidine, which is basic and polar, with tyrosine, which is neutral and polar, at codon 1135 of the TSC2 protein (p.His1135Tyr). This variant is not present in population databases (gnomAD no frequency). This variant has not been reported in the literature in individuals affected with TSC2-related conditions. ClinVar contains an entry for this variant (Variation ID: 1442116). Advanced modeling of protein sequence and biophysical properties (such as structural, functional, and spatial information, amino acid conservation, physicochemical variation, residue mobility, and thermodynamic stability) performed at Invitae indicates that this missense variant is not expected to disrupt TSC2 protein function with a negative predictive value of 95%. In summary, the available evidence is currently insufficient to determine the role of this variant in disease. Therefore, it has been classified as a Variant of Uncertain Significance.

Ambry Genetics
Classification: Uncertain significance for Hereditary cancer-predisposing syndrome. Last evaluated: 2023-08-29. Review status: criteria provided, single submitter. Criteria: Ambry Variant Classification Scheme 2023. Collection method: clinical testing. Allele origin: germline.
Comment: The p.H1135Y variant (also known as c.3403C>T), located in coding exon 29 of the TSC2 gene, results from a C to T substitution at nucleotide position 3403. The histidine at codon 1135 is replaced by tyrosine, an amino acid with similar properties. This amino acid position is conserved. In addition, the in silico prediction for this alteration is inconclusive. Since supporting evidence is limited at this time, the clinical significance of this alteration remains unclear.

Sema4
Classification: Uncertain significance for Hereditary cancer-predisposing syndrome. Last evaluated: 2021-10-25. Review status: criteria provided, single submitter. Criteria: Sema4 Curation Guidelines. Collection method: curation. Allele origin: germline.
Comment: To the best of our knowledge, the TSC2 c.3403C>T (p.H1135Y) variant has not been reported in individuals with TSC2-related disease. It was not observed in the large and broad cohorts of the Genome Aggregation Database (PMID: 32461654). The variant has not been reported in ClinVar. Functional studies have not been performed, and in silico predictions of the variant's effect on protein function are inconclusive. The evidence is insufficient to meet ACMG/AMP criteria for classifying the variant as benign or pathogenic. Thus, the clinical significance of this variant is currently uncertain.

NM_000548.5(TSC2):c.3403C>T (p.His1135Tyr)

Gene: TSC2 (TSC complex subunit 2; plus strand). Cytogenetic location: 16p13.3.
Variant type: single nucleotide variant.
Coding change: c.3403C>T on transcript NM_000548.5 (MANE Select); coding-DNA position 3403, C replaced by T.
Protein change: p.His1135Tyr; replaces histidine 1135 with tyrosine.
Molecular consequence: missense variant.
Genome position (GRCh38, 1-based): chr16:2,080,170, C>T. VCF-style: chr16-2080170-C-T. GRCh37 (hg19) VCF-style: chr16-2130171-C-T.
Other names: c.3271C>T, p.His1091Tyr (NM_001077183.3, NM_001370404.1); c.3403C>T, p.His1135Tyr (NM_001114382.3); c.3163C>T, p.His1055Tyr (NM_001318827.2); c.3127C>T, p.His1043Tyr (NM_001318829.2); c.2671C>T, p.His891Tyr (NM_001318831.2); c.3304C>T, p.His1102Tyr (NM_001318832.2); c.3274C>T, p.His1092Tyr (NM_001363528.2, NM_001370405.1, NM_021055.3); short protein forms H1135Y, H1043Y, H1055Y, H1102Y, H891Y, H1091Y, H1092Y.
Identifiers: ClinVar variation 1442116 (VCV001442116.10), dbSNP rs2151455693, ClinGen allele CA394288371.